The following is an entry in ClinVar:

NM_002335.4(LRP5):c.2618A>G (p.Lys873Arg)

Gene: LRP5 (LDL receptor related protein 5; plus strand). Cytogenetic location: 11q13.2.
Variant type: single nucleotide variant.
Coding change: c.2618A>G on transcript NM_002335.4 (MANE Select); coding-DNA position 2618, A replaced by G.
Protein change: p.Lys873Arg; replaces lysine 873 with arginine.
Molecular consequence: missense variant.
Genome position (GRCh38, 1-based): chr11:68,413,803, A>G. VCF-style: chr11-68413803-A-G. GRCh37 (hg19) VCF-style: chr11-68181271-A-G.
Other names: c.875A>G, p.Lys292Arg (NM_001291902.2); short protein forms K292R, K873R.
Identifiers: ClinVar variation 4055856 (VCV004055856.2).
Genomic context (GRCh38, chr11:68,413,803, plus strand): 5'-AGTACAGCGATTATATCTACTGGACAGACTGGAATCTGCACAGCATTGAGCGGGCCGACA[A>G]GACTAGCGGCCGGAACCGCACCCTCATCCAGGGCCACCTGGACTTCGTGATGGACATCCT-3'
Protein context (NP_002326.2, residues 863-883): WNLHSIERAD[Lys873Arg]TSGRNRTLIQ

ClinVar aggregate classification (germline): Uncertain significance (1 of 4 stars; one submission).

Submission:

GeneDx
Classification: Uncertain significance. Last evaluated: 2026-02-19. Review status: criteria provided, single submitter. Criteria: GeneDx Variant Classification Process June 2021. Collection method: clinical testing. Allele origin: germline.
Comment: Not observed at significant frequency in large population cohorts (gnomAD); In silico analysis suggests that this missense variant does not alter protein structure/function; Has not been previously published as pathogenic or benign to our knowledge